The following is an entry in ClinVar:

ClinVar aggregate classification (germline): Uncertain significance (1 of 4 stars; one submission).

Conditions:
Cardiovascular phenotype. Identifiers: MedGen CN230736.

Submission:

Ambry Genetics
Classification: Uncertain significance for Cardiovascular phenotype. Last evaluated: 2026-02-14. Review status: criteria provided, single submitter. Criteria: Ambry Variant Classification Scheme 2023. Collection method: clinical testing. Allele origin: germline.
Comment: The p.G890R variant (also known as c.2668G>A), located in coding exon 1 of the ZNF469 gene, results from a G to A substitution at nucleotide position 2668. The glycine at codon 890 is replaced by arginine, an amino acid with dissimilar properties. This amino acid position is conserved. In addition, this alteration is predicted to be tolerated by in silico analysis. Based on the available evidence, the clinical significance of this variant remains unclear.

NM_001127464.1:c.2668G>A

Gene: ZNF469 (zinc finger protein 469; plus strand).
Variant type: single nucleotide variant.
Identifiers: ClinVar variation 4845020 (VCV004845020.1).